The following is an entry in ClinVar:

ClinVar aggregate classification (germline): Uncertain significance (1 of 4 stars; one submission).

Conditions:
Perlman syndrome (PRLMNS). Identifiers: Orphanet 2849, MedGen C0796113, MONDO:0009965, OMIM 267000.

Submission:

Labcorp Genetics (formerly Invitae), Labcorp
Classification: Uncertain significance for Perlman syndrome. Last evaluated: 2023-06-09. Review status: criteria provided, single submitter. Criteria: Invitae Variant Classification Sherloc (09022015). Collection method: clinical testing. Allele origin: germline.
Comment: This sequence change replaces alanine, which is neutral and non-polar, with serine, which is neutral and polar, at codon 135 of the DIS3L2 protein (p.Ala135Ser). This variant is not present in population databases (gnomAD no frequency). This variant has not been reported in the literature in individuals affected with DIS3L2-related conditions. An algorithm developed to predict the effect of missense changes on protein structure and function (PolyPhen-2) suggests that this variant is likely to be tolerated. In summary, the available evidence is currently insufficient to determine the role of this variant in disease. Therefore, it has been classified as a Variant of Uncertain Significance.

NM_152383.5(DIS3L2):c.403G>T (p.Ala135Ser)

Gene: DIS3L2 (DIS3 like 3'-5' exoribonuclease 2; plus strand). Cytogenetic location: 2q37.1.
Variant type: single nucleotide variant.
Coding change: c.403G>T on transcript NM_152383.5 (MANE Select); coding-DNA position 403, G replaced by T.
Protein change: p.Ala135Ser; replaces alanine 135 with serine.
Molecular consequence: missense variant. On other transcripts: non-coding transcript variant (2).
Genome position (GRCh38, 1-based): chr2:232,087,523, G>T. VCF-style: chr2-232087523-G-T. GRCh37 (hg19) VCF-style: chr2-232952233-G-T.
Other names: c.403G>T, p.Ala135Ser (NM_001257281.2, NM_001257282.2); short protein forms A135S.
Identifiers: ClinVar variation 2699074 (VCV002699074.3), dbSNP rs2469749456, ClinGen allele CA351154897.